The following is an entry in ClinVar:

NM_000234.3(LIG1):c.897C>G (p.Ile299Met)

Gene: LIG1 (DNA ligase 1; minus strand). Cytogenetic location: 19q13.33.
Variant type: single nucleotide variant.
Coding change: c.897C>G on transcript NM_000234.3 (MANE Select); coding-DNA position 897, C replaced by G.
Protein change: p.Ile299Met; replaces isoleucine 299 with methionine.
Molecular consequence: missense variant. On other transcripts: non-coding transcript variant (6).
Genome position (GRCh38, 1-based): chr19:48,143,560, G>C on the plus strand (C>G on the coding strand, the complement: LIG1 is on the minus strand). VCF-style: chr19-48143560-G-C. GRCh37 (hg19) VCF-style: chr19-48646817-G-C.
Other names: c.804C>G, p.Ile268Met (NM_001289063.2); c.693C>G, p.Ile231Met (NM_001289064.2); c.894C>G, p.Ile298Met (NM_001320970.2); c.807C>G, p.Ile269Met (NM_001320971.2); short protein forms I299M, I268M, I269M, I231M, I298M.
Identifiers: ClinVar variation 1957309 (VCV001957309.5), dbSNP rs150960491, ClinGen allele CA406650570.
Genomic context (GRCh38, chr19:48,143,560, plus strand): 5'-AGAAGCGACCCCGCCCCCCACCCAGGCAGTCCTCATTAGTTACCGAGCAGACACCTCCTC[G>C]ATCTTCTCAAACGTCCGGGCCACAGCCAGGTAAGGAACCCTAGGGAAGGAAAAGAGACGC-3'
Protein context (NP_000225.1, residues 289-309): YLAVARTFEK[Ile299Met]EEVSARLRMV

ClinVar aggregate classification (germline): Uncertain significance (1 of 4 stars; one submission).

Submission:

Labcorp Genetics (formerly Invitae), Labcorp
Classification: Uncertain significance. Last evaluated: 2022-06-03. Review status: criteria provided, single submitter. Criteria: Invitae Variant Classification Sherloc (09022015). Collection method: clinical testing. Allele origin: germline.
Comment: In summary, the available evidence is currently insufficient to determine the role of this variant in disease. Therefore, it has been classified as a Variant of Uncertain Significance. Algorithms developed to predict the effect of missense changes on protein structure and function are either unavailable or do not agree on the potential impact of this missense change (SIFT: "Deleterious"; PolyPhen-2: "Probably Damaging"; Align-GVGD: "Class C0"). This variant has not been reported in the literature in individuals affected with LIG1-related conditions. This variant is not present in population databases (gnomAD no frequency). This sequence change replaces isoleucine, which is neutral and non-polar, with methionine, which is neutral and non-polar, at codon 299 of the LIG1 protein (p.Ile299Met).